The following is an entry in ClinVar:

ClinVar aggregate classification (germline): Pathogenic (1 of 4 stars; one submission).

Conditions:
Retinitis pigmentosa 25 (RP25). Identifiers: Orphanet 791, MedGen C1864446, MONDO:0011272, OMIM 602772.

Submission:

Natera, Inc.
Classification: Pathogenic for Retinitis pigmentosa type 25. Last evaluated: 2024-12-17. Review status: criteria provided, single submitter. Criteria: Natera Variant Classification Schema (03/2026). Collection method: clinical testing. Allele origin: germline.
Comment: The c.6079-4_6079-2delinsG variant in EYS is a deletion-insertion (delins) variant predicted to replace one or more nucleotides with a different sequence, affecting a canonical splice acceptor site. This variant is expected to result in nonsense mediated decay, truncation, or a dysfunctional protein product. This variant is rare in the general population with a frequency below the threshold expected for the associated phenotype(s). Another variant at this same site results in an alteration predicted to cause a similar molecular effect has been observed in individual(s) with the associated phenotype. Given the available evidence, this variant is classified as Pathogenic.

NM_001142800.2(EYS):c.6079-4_6079-2delinsG

Gene: EYS (EGF-like photoreceptor maintenance factor; minus strand). Cytogenetic location: 6q12.
Variant type: Indel.
Coding change: c.6079-4_6079-2delinsG on transcript NM_001142800.2 (MANE Select); 4 bases into the intron before coding-DNA position 6079 through the canonical splice acceptor site of the intron before coding-DNA position 6079, TCA replaced by G.
Molecular consequence: splice acceptor variant.
Genome position (GRCh38, 1-based): chr6:64,307,084-64,307,086, TGA replaced by C on the plus strand (TCA replaced by G on the coding strand, the reverse complement: EYS is on the minus strand). VCF-style: chr6-64307084-TGA-C. GRCh37 (hg19) VCF-style: chr6-65016977-TGA-C.
Other names: c.6079-4_6079-2delinsG (NM_001292009.2).
Identifiers: ClinVar variation 4814652 (VCV004814652.1).
Genomic context (GRCh38, chr6:64,307,084, plus strand): 5'-CAGTTATTTATTTCTATAACTTCTATGCAGCCAGTAAAATTCTTGACTGGTACAGGCATC[TGA>C]GAGAGAGAGAGAGAGAGAGAAGTAGAGATAATTTAAATGATTTTCTTGAATATATTATTC-3'